The following is an entry in ClinVar:

ClinVar aggregate classification (germline): Uncertain significance (1 of 4 stars; one submission).

Allele frequency attached by ClinVar (database versions not stated): gnomAD exomes below 0.00001; TOPMed 0.00003; gnomAD 0.00001.
gnomAD v4.1: 5 of 1,612,296 alleles (0.00031%); highest among the groups gnomAD compares: East Asian, 0.011%; no homozygotes.

Submission:

Labcorp Genetics (formerly Invitae), Labcorp
Classification: Uncertain significance. Last evaluated: 2024-09-23. Review status: criteria provided, single submitter. Criteria: Invitae Variant Classification Sherloc (09022015). Collection method: clinical testing. Allele origin: germline.
Comment: This sequence change replaces histidine, which is basic and polar, with asparagine, which is neutral and polar, at codon 35 of the CTF1 protein (p.His35Asn). This variant is present in population databases (rs771080334, gnomAD 0.006%). This variant has not been reported in the literature in individuals affected with CTF1-related conditions. ClinVar contains an entry for this variant (Variation ID: 2185768). An algorithm developed to predict the effect of missense changes on protein structure and function (PolyPhen-2) suggests that this variant is likely to be tolerated. In summary, the available evidence is currently insufficient to determine the role of this variant in disease. Therefore, it has been classified as a Variant of Uncertain Significance.

NM_001330.5(CTF1):c.103C>A (p.His35Asn)

Gene: CTF1 (cardiotrophin 1; plus strand). Cytogenetic location: 16p11.2.
Variant type: single nucleotide variant.
Coding change: c.103C>A on transcript NM_001330.5 (MANE Select); coding-DNA position 103, C replaced by A.
Protein change: p.His35Asn; replaces histidine 35 with asparagine.
Molecular consequence: missense variant. On other transcripts: non-coding transcript variant (1).
Genome position (GRCh38, 1-based): chr16:30,899,492, C>A. VCF-style: chr16-30899492-C-A. GRCh37 (hg19) VCF-style: chr16-30910813-C-A.
Other names: c.100C>A, p.His34Asn (NM_001142544.3); short protein forms H35N, H34N.
Identifiers: ClinVar variation 2185768 (VCV002185768.4), dbSNP rs771080334, ClinGen allele CA280570841.